The following is an entry in ClinVar:

NM_198525.3(KIF7):c.2531_2538del (p.Glu844fs)

Gene: KIF7 (kinesin family member 7; minus strand). Cytogenetic location: 15q26.1.
Variant type: Deletion.
Coding change: c.2531_2538del on transcript NM_198525.3 (MANE Select); coding-DNA positions 2531 to 2538, 8 bases deleted (AGGAGACG; older notation c.2531_2538delAGGAGACG).
Protein change: p.Glu844fs; shifts the reading frame from glutamic acid 844.
Molecular consequence: frameshift variant.
Genome position (GRCh38, 1-based): chr15:89,633,740-89,633,747, CGTCTCCT deleted on the plus strand (AGGAGACG on the coding strand, the reverse complement: KIF7 is on the minus strand); deleting any 8 consecutive bases within chr15:89,633,740-89,633,749 gives the same sequence; the c. name uses the placement nearest the transcript's 3' end. VCF-style (leftmost placement, unchanged base first): chr15-89633739-CCGTCTCCT-C. GRCh37 (hg19) VCF-style: chr15-90176970-CCGTCTCCT-C.
Other names: short protein forms E844fs.
Identifiers: ClinVar variation 5018943 (VCV005018943.2).

ClinVar aggregate classification (germline): Likely pathogenic (1 of 4 stars; one submission).

Conditions:
Hydrolethalus syndrome 2 (HLS2). Identifiers: Orphanet 2189, MedGen C3279899, MONDO:0013585, OMIM 614120.
Multiple epiphyseal dysplasia, Al-Gazali type. Also called: Macrocephaly with multiple epiphyseal dysplasia and distinctive facies. Identifiers: Orphanet 166024, MedGen C1846722, MONDO:0011778, OMIM 607131.
Acrocallosal syndrome (ACLS). Also called: HALLUX DUPLICATION, POSTAXIAL POLYDACTYLY, AND ABSENCE OF CORPUS CALLOSUM; Schinzel syndrome 1; Absence of corpus callosum with unusual facial appearance, mental deficiency, duplication of the halluces and polydactyly. Identifiers: Orphanet 36, MedGen C0796147, MONDO:0008708, OMIM 200990.

Submission:

Juno Genomics, Hangzhou Juno Genomics, Inc
Classification: Likely pathogenic for Multiple epiphyseal dysplasia, Al-Gazali type; Hydrolethalus syndrome 2; Acrocallosal syndrome. Review status: criteria provided, single submitter. Criteria: ACMG Guidelines, 2015. Collection method: clinical testing. Allele origin: germline.
Comment: Absent from controls (or at extremely low frequency if recessive) in Genome Aggregation Database.;Null variant in a gene where loss of function (LOF) is a known mechanism of disease.